The following is an entry in ClinVar:

ClinVar aggregate classification (germline): Uncertain significance (1 of 4 stars; one submission).

Conditions:
Dyskeratosis congenita. Identifiers: Orphanet 1775, MedGen C0265965, MONDO:0015780.

Allele frequency attached by ClinVar (database versions not stated): gnomAD 0.00001; gnomAD exomes 0.00001.
gnomAD v4.1: 11 of 1,613,836 alleles (0.00068%); highest among the groups gnomAD compares: South Asian, 0.012%; no homozygotes.

Submission:

Labcorp Genetics (formerly Invitae), Labcorp
Classification: Uncertain significance for Dyskeratosis congenita. Last evaluated: 2022-04-20. Review status: criteria provided, single submitter. Criteria: Invitae Variant Classification Sherloc (09022015). Collection method: clinical testing. Allele origin: germline.
Comment: In summary, the available evidence is currently insufficient to determine the role of this variant in disease. Therefore, it has been classified as a Variant of Uncertain Significance. Algorithms developed to predict the effect of missense changes on protein structure and function (SIFT, PolyPhen-2, Align-GVGD) all suggest that this variant is likely to be disruptive. This sequence change replaces glutamic acid, which is acidic and polar, with alanine, which is neutral and non-polar, at codon 89 of the NHP2 protein (p.Glu89Ala). This variant is present in population databases (no rsID available, gnomAD 0.006%). This variant has not been reported in the literature in individuals affected with NHP2-related conditions.

NM_017838.4(NHP2):c.266A>C (p.Glu89Ala)

Gene: NHP2 (NHP2 ribonucleoprotein; minus strand). Cytogenetic location: 5q35.3.
Variant type: single nucleotide variant.
Coding change: c.266A>C on transcript NM_017838.4 (MANE Select); coding-DNA position 266, A replaced by C.
Protein change: p.Glu89Ala; replaces glutamic acid 89 with alanine.
Molecular consequence: missense variant. On other transcripts: intron variant (1).
Genome position (GRCh38, 1-based): chr5:178,150,958, T>G on the plus strand (A>C on the coding strand, the complement: NHP2 is on the minus strand). VCF-style: chr5-178150958-T-G. GRCh37 (hg19) VCF-style: chr5-177577959-T-G.
Other names: c.266A>C, p.Glu89Ala (NM_001396110.1); c.231-1120A>C (NM_001034833.2); short protein forms E89A.
Identifiers: ClinVar variation 2180970 (VCV002180970.2), dbSNP rs1477850226, ClinGen allele CA362391868.
Genomic context (GRCh38, chr5:178,150,958, plus strand): 5'-GGGATATAGACATAGGGCAAATTTCGGTCCTCACACATGACTGGGAGATGGCAGTATACC[T>G]CAATGGGCAGTGTGTCTCCTGCCAAAACCATGATCCTGAAATGAGAGAAAACACTGTCAT-3'
Protein context (NP_060308.1, residues 79-99): MVLAGDTLPI[Glu89Ala]VYCHLPVMCE